The following is an entry in ClinVar:

NM_000744.7(CHRNA4):c.384-14C>G

Gene: CHRNA4 (cholinergic receptor nicotinic alpha 4 subunit; minus strand). Cytogenetic location: 20q13.33.
Variant type: single nucleotide variant.
Coding change: c.384-14C>G on transcript NM_000744.7 (MANE Select); 14 bases into the intron before coding-DNA position 384, C replaced by G.
Molecular consequence: intron variant.
Genome position (GRCh38, 1-based): chr20:63,351,041, G>C on the plus strand (C>G on the coding strand, the complement: CHRNA4 is on the minus strand). VCF-style: chr20-63351041-G-C. GRCh37 (hg19) VCF-style: chr20-61982393-G-C.
Other names: c.-145-14C>G (NM_001256573.2).
Identifiers: ClinVar variation 377671 (VCV000377671.9), dbSNP rs202150684, ClinGen allele CA9957813.
Genomic context (GRCh38, chr20:63,351,041, plus strand): 5'-ACAGGTGGGCCTTGGTCAGGTGGGTGACCGCGAAGTCCCCGTCAGCACTGGGCAGGAAGA[G>C]AGCGAAGGGTGTGAGACCCCCACATCCATGCCCACGTCCACACCCACGCCCACTGCCACA-3'

ClinVar aggregate classification (germline): Likely benign. Review status: criteria provided, multiple submitters, no conflicts (2 of 4 stars). 2 submissions from 2 submitters: Likely benign (2). Last evaluated 2025-02-24.

Conditions:
Familial sleep-related hypermotor epilepsy. Also called: Autosomal Dominant Sleep-Related Hypermotor (Hyperkinetic) Epilepsy. Identifiers: Orphanet 98784, MedGen C3696898, MONDO:0000030.

Allele frequency attached by ClinVar (database versions not stated): gnomAD 0.00005 and 0.00002; 1000 Genomes Project 30x 0.00016; TOPMed 0.00002; ExAC 0.00011.
gnomAD v4.1: 71 of 1,609,530 alleles (0.0044%); highest among the groups gnomAD compares: South Asian, 0.065%; no homozygotes.

Submissions (2):

Labcorp Genetics (formerly Invitae), Labcorp
Classification: Likely benign. Last evaluated: 2025-02-24. Review status: criteria provided, single submitter. Criteria: Invitae Variant Classification Sherloc (09022015). Collection method: clinical testing. Allele origin: germline.

GeneDx
Classification: Likely benign. Last evaluated: 2016-05-18. Review status: criteria provided, single submitter. Criteria: GeneDx Variant Classification (06012015). Collection method: clinical testing. Allele origin: germline. Affected: yes.
Comment: This variant is considered likely benign or benign based on one or more of the following criteria: it is a conservative change, it occurs at a poorly conserved position in the protein, it is predicted to be benign by multiple in silico algorithms, and/or has population frequency not consistent with disease.